The following is an entry in ClinVar:

ClinVar aggregate classification (germline): Uncertain significance (1 of 4 stars; one submission).

Allele frequency attached by ClinVar (database versions not stated): ExAC 0.00009; TOPMed 0.00012; gnomAD 0.00015; 1000 Genomes Project 30x 0.00016; 1000 Genomes Project 0.00020.
gnomAD v4.1: 151 of 1,614,202 alleles (0.0094%); highest among the groups gnomAD compares: South Asian, 0.031%; no homozygotes.

Submission:

Labcorp Genetics (formerly Invitae), Labcorp
Classification: Uncertain significance. Last evaluated: 2024-06-05. Review status: criteria provided, single submitter. Criteria: Invitae Variant Classification Sherloc (09022015). Collection method: clinical testing. Allele origin: germline.
Comment: This sequence change replaces arginine, which is basic and polar, with histidine, which is basic and polar, at codon 413 of the KRT71 protein (p.Arg413His). This variant is present in population databases (rs566564429, gnomAD 0.02%). This variant has not been reported in the literature in individuals affected with KRT71-related conditions. ClinVar contains an entry for this variant (Variation ID: 2198407). Advanced modeling of protein sequence and biophysical properties (such as structural, functional, and spatial information, amino acid conservation, physicochemical variation, residue mobility, and thermodynamic stability) performed at Invitae indicates that this missense variant is not expected to disrupt KRT71 protein function with a negative predictive value of 80%. In summary, the available evidence is currently insufficient to determine the role of this variant in disease. Therefore, it has been classified as a Variant of Uncertain Significance.

NM_033448.3(KRT71):c.1238G>A (p.Arg413His)

Gene: KRT71 (keratin 71; minus strand). Cytogenetic location: 12q13.13.
Variant type: single nucleotide variant.
Coding change: c.1238G>A on transcript NM_033448.3 (MANE Select); coding-DNA position 1238, G replaced by A.
Protein change: p.Arg413His; replaces arginine 413 with histidine.
Molecular consequence: missense variant.
Genome position (GRCh38, 1-based): chr12:52,546,373, C>T on the plus strand (G>A on the coding strand, the complement: KRT71 is on the minus strand). VCF-style: chr12-52546373-C-T. GRCh37 (hg19) VCF-style: chr12-52940157-C-T.
Other names: short protein forms R413H.
Identifiers: ClinVar variation 2198407 (VCV002198407.4), dbSNP rs566564429, ClinGen allele CA6583137.